The following is an entry in ClinVar:

ClinVar aggregate classification (germline): Conflicting classifications of pathogenicity. Review status: criteria provided, conflicting classifications (1 of 4 stars). 5 submissions from 5 submitters: Uncertain significance (3); Benign (1); Likely benign (1). Last evaluated 2025-12-17.

Conditions:
Ehlers-Danlos syndrome, classic type, 1 (EDSCL1). Also called: EDS I; Ehlers-Danlos Syndrome, Classic Type, COL5A1-Related; Ehlers-Danlos syndrome, type 1; EHLERS-DANLOS SYNDROME, GRAVIS TYPE; EHLERS-DANLOS SYNDROME, SEVERE CLASSIC TYPE. Identifiers: MedGen C0268335, MONDO:0019567, OMIM 130000.
Familial thoracic aortic aneurysm and aortic dissection (TAAD). Also called: Thoracic aortic aneurysms and dissections. Identifiers: Orphanet 91387, MedGen C4707243, MONDO:0019625.

Allele frequency attached by ClinVar (database versions not stated): gnomAD exomes 0.00004 and 0.00010; gnomAD 0.00005 and 0.00007; ESP Exome Variant Server 0.00008; ExAC 0.00009; TOPMed 0.00013.
gnomAD v4.1: 74 of 1,613,726 alleles (0.0046%); highest among the groups gnomAD compares: South Asian, 0.033%; 1 homozygote.

Submissions (5):

Labcorp Genetics (formerly Invitae), Labcorp
Classification: Benign for Ehlers-Danlos syndrome, classic type, 1. Last evaluated: 2025-12-17. Review status: criteria provided, single submitter. Criteria: Invitae Variant Classification Sherloc (09022015). Collection method: clinical testing. Allele origin: germline.

Ambry Genetics
Classification: Uncertain significance for Familial thoracic aortic aneurysm and aortic dissection. Last evaluated: 2025-05-22. Review status: criteria provided, single submitter. Criteria: Ambry Variant Classification Scheme 2023. Collection method: clinical testing. Allele origin: germline.
Comment: The p.R1765C variant (also known as c.5293C>T), located in coding exon 65 of the COL5A1 gene, results from a C to T substitution at nucleotide position 5293. The arginine at codon 1765 is replaced by cysteine, an amino acid with highly dissimilar properties. This amino acid position is highly conserved in available vertebrate species. In addition, this alteration is predicted to be deleterious by in silico analysis. Since supporting evidence is limited at this time, the clinical significance of this alteration remains unclear.

GeneDx
Classification: Uncertain significance. Last evaluated: 2024-04-11. Review status: criteria provided, single submitter. Criteria: GeneDx Variant Classification Process June 2021. Collection method: clinical testing. Allele origin: germline. Affected: yes.
Comment: Has not been previously published as pathogenic or benign in association with cEDS to our knowledge; In silico analysis supports that this missense variant has a deleterious effect on protein structure/function; Not located in the triple helical region, where the majority of pathogenic missense variants occur (PMID: 22696272; HGMD); This variant is associated with the following publications: (PMID: 22696272, 32508047)

Women's Health and Genetics/Laboratory Corporation of America, LabCorp
Classification: Likely benign. Last evaluated: 2023-04-24. Review status: criteria provided, single submitter. Criteria: LabCorp Variant Classification Summary - May 2015. Collection method: clinical testing. Allele origin: germline.
Comment: Variant summary: COL5A1 c.5293C>T (p.Arg1765Cys) results in a non-conservative amino acid change located in the Fibrillar collagen, C-terminal (IPR000885) of the encoded protein sequence. Five of five in-silico tools predict a damaging effect of the variant on protein function. The variant allele was found at a frequency of 0.0001 in 250950 control chromosomes (gnomAD). The observed variant frequency is approximately 3-fold of the estimated maximal expected allele frequency for a pathogenic variant in COL5A1 causing Ehlers-Danlos Syndrome phenotype (3.1e-05), strongly suggesting that the variant is benign. c.5293C>T has been reported in the literature in an individual affected with Atrioventricular nodal reentry tachycardia as well as an unaffected control (Luo_2020). This report does not provide unequivocal conclusions about association of the variant with Ehlers-Danlos Syndrome. To our knowledge, no experimental evidence demonstrating an impact on protein function has been reported. Five submitters have provided clinical-significance assessments for this variant to ClinVar after 2014, and classified it as uncertain significance (n=4) or benign (n=1). Based on the evidence outlined above, the variant was classified as likely benign.

CeGaT Center for Human Genetics Tuebingen
Classification: Uncertain significance. Last evaluated: 2022-09-01. Review status: criteria provided, single submitter. Criteria: CeGaT Center For Human Genetics Tuebingen Variant Classification Criteria Version 2. Collection method: clinical testing. Allele origin: germline. Affected: yes. Observed: 2 variant alleles.
Comment: COL5A1: PP3

Literature cited by the submitters: PubMed 32508047 (cited by Women's Health and Genetics/Laboratory Corporation of America, LabCorp).

NM_000093.5(COL5A1):c.5293C>T (p.Arg1765Cys)

Genes: COL5A1 (collagen type V alpha 1 chain; plus strand), LOC101448202 (uncharacterized LOC101448202; minus strand). Cytogenetic location: 9q34.3.
Variant type: single nucleotide variant.
Coding change: c.5293C>T on transcript NM_000093.5 (MANE Select); coding-DNA position 5293, C replaced by T.
Protein change: p.Arg1765Cys; replaces arginine 1765 with cysteine.
Molecular consequence: missense variant.
Genome position (GRCh38, 1-based): chr9:134,835,127, C>T. VCF-style: chr9-134835127-C-T. GRCh37 (hg19) VCF-style: chr9-137726973-C-T.
Other names: c.5293C>T, p.Arg1765Cys (NM_001278074.1); short protein forms R1765C.
Identifiers: ClinVar variation 365734 (VCV000365734.64), dbSNP rs199703883, ClinGen allele CA5320683.